The following is an entry in ClinVar:

NM_033131.4(WNT3A):c.551A>G (p.Asn184Ser)

Gene: WNT3A (Wnt family member 3A; plus strand). Cytogenetic location: 1q42.13.
Variant type: single nucleotide variant.
Coding change: c.551A>G on transcript NM_033131.4 (MANE Select); coding-DNA position 551, A replaced by G.
Protein change: p.Asn184Ser; replaces asparagine 184 with serine.
Molecular consequence: missense variant.
Genome position (GRCh38, 1-based): chr1:228,050,893, A>G. VCF-style: chr1-228050893-A-G. GRCh37 (hg19) VCF-style: chr1-228238594-A-G.
Other names: short protein forms N184S.
Identifiers: ClinVar variation 1447651 (VCV001447651.8), dbSNP rs1217311405, ClinGen allele CA345336134.

ClinVar aggregate classification (germline): Uncertain significance (1 of 4 stars; one submission).

Allele frequency attached by ClinVar (database versions not stated): TOPMed below 0.00001; gnomAD exomes 0.00001.

Submission:

Labcorp Genetics (formerly Invitae), Labcorp
Classification: Uncertain significance. Last evaluated: 2021-05-04. Review status: criteria provided, single submitter. Criteria: Invitae Variant Classification Sherloc (09022015). Collection method: clinical testing. Allele origin: germline.
Comment: In summary, the available evidence is currently insufficient to determine the role of this variant in disease. Therefore, it has been classified as a Variant of Uncertain Significance. Algorithms developed to predict the effect of missense changes on protein structure and function are either unavailable or do not agree on the potential impact of this missense change (SIFT: "Deleterious"; PolyPhen-2: "Possibly Damaging"; Align-GVGD: "Class C0"). This variant has not been reported in the literature in individuals with WNT3A-related conditions. This variant is not present in population databases (ExAC no frequency). This sequence change replaces asparagine with serine at codon 184 of the WNT3A protein (p.Asn184Ser). The asparagine residue is highly conserved and there is a small physicochemical difference between asparagine and serine.